The following is an entry in ClinVar:

ClinVar aggregate classification (germline): Pathogenic. Review status: reviewed by expert panel (3 of 4 stars). 12 submissions from 12 submitters: Pathogenic (1). 11 of the submissions do not count toward it. Last evaluated 2016-09-08.

Conditions:
Hereditary cancer-predisposing syndrome. Also called: Hereditary Cancer Syndrome; Hereditary neoplastic syndrome; Neoplastic Syndromes, Hereditary; Tumor predisposition. Identifiers: Orphanet 140162, MedGen C0027672, MeSH D009386, MONDO:0015356.
Breast-ovarian cancer, familial, susceptibility to, 1 (BROVCA1). Also called: BRCA1 Hereditary Breast and Ovarian Cancer; OVARIAN CANCER, SUSCEPTIBILITY TO. Identifiers: Orphanet 145, MedGen C2676676, MONDO:0011450, OMIM 604370. Disease mechanism: loss of function.
Hereditary breast ovarian cancer syndrome. Also called: BRCA1- and BRCA2-Associated Hereditary Breast and Ovarian Cancer; Hereditary breast and ovarian cancer syndrome; Hereditary breast and ovarian cancer syndrome (HBOC); Breast and ovarian cancer; Hereditary breast and/or ovarian cancer syndrome; Hereditary breast and ovarian cancer. Identifiers: Orphanet 145, MedGen C0677776, MeSH D061325, MONDO:0003582. Disease mechanism: loss of function.

Allele frequency attached by ClinVar (database versions not stated): gnomAD exomes below 0.00001; ExAC 0.00001.
gnomAD v4.1: 1 of 1,614,114 alleles (0.000062%); highest among the groups gnomAD compares: Non-Finnish European, 0.000085%; no homozygotes.

Submissions (12):

Evidence-based Network for the Interpretation of Germline Mutant Alleles (ENIGMA)
Classification: Pathogenic for Breast-ovarian cancer, familial, susceptibility to, 1. Last evaluated: 2016-09-08. Review status: reviewed by expert panel. Criteria: ENIGMA BRCA1/2 Classification Criteria (2015). Collection method: curation. Allele origin: germline.
Comment: Variant allele predicted to encode a truncated non-functional protein.

Labcorp Genetics (formerly Invitae), Labcorp
Classification: Pathogenic for Hereditary breast ovarian cancer syndrome. Last evaluated: 2025-04-14. Review status: criteria provided, single submitter. Criteria: Invitae Variant Classification Sherloc (09022015). Collection method: clinical testing. Allele origin: germline. Not counted in ClinVar's aggregate classification.
Comment: This sequence change creates a premature translational stop signal (p.Gln1323*) in the BRCA1 gene. It is expected to result in an absent or disrupted protein product. Loss-of-function variants in BRCA1 are known to be pathogenic (PMID: 20104584). This variant is not present in population databases (gnomAD no frequency). This premature translational stop signal has been observed in individual(s) with breast and/or ovarian cancer (PMID: 29907814, 30702160). ClinVar contains an entry for this variant (Variation ID: 55062). Algorithms developed to predict the effect of sequence changes on RNA splicing suggest that this variant may disrupt the consensus splice site. For these reasons, this variant has been classified as Pathogenic.

Quest Diagnostics Nichols Institute San Juan Capistrano
Classification: Pathogenic. Last evaluated: 2023-05-22. Review status: criteria provided, single submitter. Criteria: Quest Diagnostics criteria. Collection method: clinical testing. Allele origin: unknown. Not counted in ClinVar's aggregate classification.
Comment: The BRCA1 c.3967C>T (p.Gln1323*) variant causes the premature termination of BRCA1 protein synthesis. This variant has been reported in the published literature in individuals and families affected with breast/ovarian cancer (PMIDs: 16760289 (2006), 16847550 (2006), 28294317 (2017)) and in an individual affected with urothelial cancer (PMID: 37060015 (2023)). Based on the available information, this variant is classified as pathogenic.

Ambry Genetics
Classification: Pathogenic for Hereditary cancer-predisposing syndrome. Last evaluated: 2023-04-04. Review status: criteria provided, single submitter. Criteria: Ambry Variant Classification Scheme 2023. Collection method: clinical testing. Allele origin: germline. Not counted in ClinVar's aggregate classification.
Comment: The p.Q1323* pathogenic mutation (also known as c.3967C>T), located in coding exon 9 of the BRCA1 gene, results from a C to T substitution at nucleotide position 3967. This changes the amino acid from a glutamine to a stop codon within coding exon 9. This mutation has been reported in multiple breast and ovarian cancer families (Miki Y et al. Science. 1994 Oct 7;266(5182):66-71; Giannini G et al. Breast Cancer Res Treat. 2006 Nov;100(1):83-91). Of note, this mutation has been designated as Gln->Stop at codon 1313 and 4086C>T in published literature. In addition to the clinical data presented in the literature, this alteration is expected to result in loss of function by premature protein truncation or nonsense-mediated mRNA decay. As such, this alteration is interpreted as a disease-causing mutation.

Color Diagnostics, LLC DBA Color Health
Classification: Pathogenic for Hereditary cancer-predisposing syndrome. Last evaluated: 2020-01-15. Review status: criteria provided, single submitter. Criteria: ACMG Guidelines, 2015. Collection method: clinical testing. Allele origin: germline. Not counted in ClinVar's aggregate classification.
Comment: This variant changes 1 nucleotide in exon 10 of the BRCA1 gene, creating a premature translation stop signal. This variant is expected to result in an absent or non-functional protein product. This variant has been identified in 1/251276 chromosomes in the general population by the Genome Aggregation Database (gnomAD). Loss of BRCA1 function is a known mechanism of disease. Based on the available evidence, this variant is classified as Pathogenic.

Consortium of Investigators of Modifiers of BRCA1/2 (CIMBA), c/o University of Cambridge
Classification: Pathogenic for Breast-ovarian cancer, familial, susceptibility to, 1. Last evaluated: 2015-10-02. Review status: criteria provided, single submitter. Criteria: CIMBA Mutation Classification guidelines May 2016. Collection method: clinical testing. Allele origin: germline. Not counted in ClinVar's aggregate classification.

BRCAlab, Lund University
Classification: Pathogenic for Breast-ovarian cancer, familial, susceptibility to, 1. Last evaluated: 2022-08-26. Review status: no assertion criteria provided. Collection method: clinical testing. Allele origin: germline. Affected: yes. Not counted in ClinVar's aggregate classification.

Counsyl
Classification: Pathogenic for Breast-ovarian cancer, familial, susceptibility to, 1. Last evaluated: 2018-02-21. Review status: no assertion criteria provided. Collection method: clinical testing. Allele origin: unknown. Not counted in ClinVar's aggregate classification.

Research Molecular Genetics Laboratory, Women's College Hospital, University of Toronto
Classification: Pathogenic for Hereditary breast ovarian cancer syndrome. Last evaluated: 2014-01-31. Review status: no assertion criteria provided. Collection method: research. Allele origin: germline. Affected: yes. Study: The Canadian Open Genetics Repository (COGR). Not counted in ClinVar's aggregate classification.

Sharing Clinical Reports Project (SCRP)
Classification: Pathogenic for Breast-ovarian cancer, familial 1. Last evaluated: 2012-05-01. Review status: no assertion criteria provided. Collection method: clinical testing. Allele origin: germline. Not counted in ClinVar's aggregate classification.

Breast Cancer Information Core (BIC) (BRCA1)
Classification: Pathogenic for Breast-ovarian cancer, familial 1. Last evaluated: 2004-02-20. Review status: no assertion criteria provided. Collection method: clinical testing. Allele origin: germline. Affected: yes. Observed: 4 variant alleles. Not counted in ClinVar's aggregate classification.

Department of Pathology and Laboratory Medicine, Sinai Health System
Classification: Uncertain significance. Review status: no assertion criteria provided. Collection method: clinical testing. Allele origin: unknown. Affected: yes. Observed: 1 variant allele. Study: The Canadian Open Genetics Repository (COGR). Not counted in ClinVar's aggregate classification.

Literature cited by the submitters: PubMed 20104584 (cited by Labcorp Genetics (formerly Invitae), Labcorp); PubMed 29907814 (cited by Labcorp Genetics (formerly Invitae), Labcorp and Quest Diagnostics Nichols Institute San Juan Capistrano); PubMed 30702160 (cited by Labcorp Genetics (formerly Invitae), Labcorp); PubMed 28294317 (cited by Quest Diagnostics Nichols Institute San Juan Capistrano and Counsyl); PubMed 37060015 (cited by Quest Diagnostics Nichols Institute San Juan Capistrano); PubMed 29446198 (cited by Quest Diagnostics Nichols Institute San Juan Capistrano); PubMed 16760289 (cited by Quest Diagnostics Nichols Institute San Juan Capistrano and Counsyl); PubMed 25525159 (cited by Quest Diagnostics Nichols Institute San Juan Capistrano); PubMed 16847550 (cited by Quest Diagnostics Nichols Institute San Juan Capistrano); PubMed 22160602 (cited by Counsyl).

NM_007294.4(BRCA1):c.3967C>T (p.Gln1323Ter)

Genes: BRCA1 (BRCA1 DNA repair associated; minus strand), LOC126862571 (BRD4-independent group 4 enhancer GRCh37_chr17:41243136-41244335; plus strand). Cytogenetic location: 17q21.31.
Variant type: single nucleotide variant.
Coding change: c.3967C>T on transcript NM_007294.4 (MANE Select); coding-DNA position 3967, C replaced by T.
Protein change: p.Gln1323Ter; replaces glutamine 1323 with a stop codon.
Molecular consequence: nonsense. On other transcripts: intron variant (135).
Genome position (GRCh38, 1-based): chr17:43,091,564, G>A on the plus strand (C>T on the coding strand, the complement: BRCA1 is on the minus strand). VCF-style: chr17-43091564-G-A. GRCh37 (hg19) VCF-style: chr17-41243581-G-A.
Other names: c.779-532C>T (NM_001408408.1); c.662-532C>T (NM_001408446.1, NM_001408435.1, NM_001408448.1 and 6 more transcripts); c.785-532C>T (NM_001408401.1, NM_001408396.1, NM_001407985.1 and 13 more transcripts); c.548-532C>T (NM_001408494.1); c.665-532C>T (NM_001408444.1, NM_001408438.1, NM_001408430.1 and 12 more transcripts); c.671-532C>T (NM_001408423.1, NM_001408420.1, NM_001408419.1 and 2 more transcripts); c.788-532C>T (NM_001408404.1, NM_001408472.1, NM_001407990.1 and 17 more transcripts); c.578-532C>T (NM_001408492.1, NM_001408513.1, NM_001408489.1 and 9 more transcripts); and 41 more; short protein forms Q1323*, Q1276*, Q1253*, Q1281*, Q1320*, Q1027*, Q1235*, Q1322*.
Identifiers: ClinVar variation 55062 (VCV000055062.42), dbSNP rs80357262, ClinGen allele CA002542.